The following is an entry in ClinVar:

ClinVar aggregate classification (germline): Uncertain significance (1 of 4 stars; one submission).

Submission:

Labcorp Genetics (formerly Invitae), Labcorp
Classification: Uncertain significance. Last evaluated: 2023-09-20. Review status: criteria provided, single submitter. Criteria: Invitae Variant Classification Sherloc (09022015). Collection method: clinical testing. Allele origin: germline.
Comment: In summary, the available evidence is currently insufficient to determine the role of this variant in disease. Therefore, it has been classified as a Variant of Uncertain Significance. This variant has not been reported in the literature in individuals affected with CCDC50-related conditions. This variant is not present in population databases (gnomAD no frequency). This sequence change creates a premature translational stop signal (p.Asn220Lysfs*2) in the CCDC50 gene. It is expected to result in an absent or disrupted protein product. However, the current clinical and genetic evidence is not sufficient to establish whether loss-of-function variants in CCDC50 cause disease.

NM_178335.3(CCDC50):c.659dup (p.Asn220fs)

Gene: CCDC50 (coiled-coil domain containing 50; plus strand). Cytogenetic location: 3q28.
Variant type: Duplication.
Coding change: c.659dup on transcript NM_178335.3 (MANE Select); coding-DNA position 659, one base duplicated (A; older notation c.659dupA).
Protein change: p.Asn220fs; shifts the reading frame from asparagine 220.
Molecular consequence: frameshift variant. On other transcripts: intron variant (1).
Genome position (GRCh38, 1-based): chr3:191,375,272, A duplicated; the last of 2 consecutive A bases (chr3:191,375,271-191,375,272); duplicating either gives the same sequence. VCF-style (leftmost placement, unchanged base first): chr3-191375270-C-CA. GRCh37 (hg19) VCF-style: chr3-191093059-C-CA.
Other names: c.449-4887dup (NM_174908.4); short protein forms N220fs.
Identifiers: ClinVar variation 3022480 (VCV003022480.3), dbSNP rs1486936268, ClinGen allele CA904368683.
Genomic context (GRCh38, chr3:191,375,270, plus strand): 5'-ATCGAAGAGATCCCTGTCATCCTCTAGCTCGGGCAAAGGGAGGGACAATCCCCATATTAA[C>CA]AATGAGCAGCATGAAAGGAAACGGTCCACTCAGGAGAGGCCTCGGAGACCTCTGCTTCCC-3'